The following is an entry in ClinVar:

ClinVar aggregate classification (germline): Uncertain significance (1 of 4 stars; one submission).

Allele frequency attached by ClinVar (database versions not stated): gnomAD 0.00001; gnomAD exomes 0.00001 and 0.00003; ExAC 0.00004.
gnomAD v4.1: 16 of 1,613,266 alleles (0.00099%); highest among the groups gnomAD compares: Admixed American, 0.018%; no homozygotes.

Submission:

Labcorp Genetics (formerly Invitae), Labcorp
Classification: Uncertain significance. Last evaluated: 2022-07-12. Review status: criteria provided, single submitter. Criteria: Invitae Variant Classification Sherloc (09022015). Collection method: clinical testing. Allele origin: germline.
Comment: This sequence change replaces arginine, which is basic and polar, with glutamine, which is neutral and polar, at codon 281 of the AHR protein (p.Arg281Gln). This variant is present in population databases (rs767773568, gnomAD 0.01%). This variant has not been reported in the literature in individuals affected with AHR-related conditions. ClinVar contains an entry for this variant (Variation ID: 1426694). Algorithms developed to predict the effect of missense changes on protein structure and function are either unavailable or do not agree on the potential impact of this missense change (SIFT: "Tolerated"; PolyPhen-2: "Possibly Damaging"; Align-GVGD: "Class C0"). Algorithms developed to predict the effect of sequence changes on RNA splicing suggest that this variant may create or strengthen a splice site. In summary, the available evidence is currently insufficient to determine the role of this variant in disease. Therefore, it has been classified as a Variant of Uncertain Significance.

NM_001621.5(AHR):c.842G>A (p.Arg281Gln)

Gene: AHR (aryl hydrocarbon receptor; plus strand). Cytogenetic location: 7p21.1.
Variant type: single nucleotide variant.
Coding change: c.842G>A on transcript NM_001621.5 (MANE Select); coding-DNA position 842, G replaced by A.
Protein change: p.Arg281Gln; replaces arginine 281 with glutamine.
Molecular consequence: missense variant.
Genome position (GRCh38, 1-based): chr7:17,334,048, G>A. VCF-style: chr7-17334048-G-A. GRCh37 (hg19) VCF-style: chr7-17373672-G-A.
Other names: short protein forms R281Q.
Identifiers: ClinVar variation 1426694 (VCV001426694.7), dbSNP rs767773568, ClinGen allele CA4171951.